The following is an entry in ClinVar:

NM_004863.4(SPTLC2):c.1247T>C (p.Val416Ala)

Gene: SPTLC2 (serine palmitoyltransferase long chain base subunit 2; minus strand). Cytogenetic location: 14q24.3.
Variant type: single nucleotide variant.
Coding change: c.1247T>C on transcript NM_004863.4 (MANE Select); coding-DNA position 1247, T replaced by C.
Protein change: p.Val416Ala; replaces valine 416 with alanine.
Molecular consequence: missense variant.
Genome position (GRCh38, 1-based): chr14:77,552,152, A>G on the plus strand (T>C on the coding strand, the complement: SPTLC2 is on the minus strand). VCF-style: chr14-77552152-A-G. GRCh37 (hg19) VCF-style: chr14-78018495-A-G.
Other names: short protein forms V416A.
Identifiers: ClinVar variation 314669 (VCV000314669.11), dbSNP rs577862696, ClinGen allele CA7289224.

ClinVar aggregate classification (germline): Benign/Likely benign. Review status: criteria provided, multiple submitters, no conflicts (2 of 4 stars). 3 submissions from 3 submitters: Benign (1); Likely benign (2). Last evaluated 2024-12-05.

Conditions:
Inborn genetic diseases. Identifiers: MedGen C0950123, MeSH D030342.
Neuropathy, hereditary sensory and autonomic, type 1C. Also called: HSAN IC; HSN IC. Identifiers: Orphanet 36386, MedGen C3150896, MONDO:0013337, OMIM 613640.

Allele frequency attached by ClinVar (database versions not stated): gnomAD below 0.00001 and 0.00005; TOPMed 0.00001; gnomAD exomes 0.00005 and 0.00007; ExAC 0.00008; 1000 Genomes Project 30x 0.00031; 1000 Genomes Project 0.00040.
gnomAD v4.1: 88 of 1,614,186 alleles (0.0055%); highest among the groups gnomAD compares: South Asian, 0.089%; no homozygotes.

Submissions (3):

Labcorp Genetics (formerly Invitae), Labcorp
Classification: Likely benign for Neuropathy, hereditary sensory and autonomic, type 1C. Last evaluated: 2024-12-05. Review status: criteria provided, single submitter. Criteria: Invitae Variant Classification Sherloc (09022015). Collection method: clinical testing. Allele origin: germline.

Ambry Genetics
Classification: Likely benign for Inborn genetic diseases. Last evaluated: 2021-03-11. Review status: criteria provided, single submitter. Criteria: Ambry Variant Classification Scheme 2023. Collection method: clinical testing. Allele origin: germline.

Illumina Laboratory Services, Illumina
Classification: Benign for Neuropathy, hereditary sensory and autonomic, type 1C. Last evaluated: 2018-01-13. Review status: criteria provided, single submitter. Criteria: ICSL Variant Classification Criteria 13 December 2019. Collection method: clinical testing. Allele origin: germline.
Comment: This variant was observed in the ICSL laboratory as part of a predisposition screen in an ostensibly healthy population. It had not been previously curated by ICSL or reported in the Human Gene Mutation Database (HGMD: prior to June 1st, 2018), and was therefore a candidate for classification through an automated scoring system. Utilizing variant allele frequency, disease prevalence and penetrance estimates, and inheritance mode, an automated score was calculated to assess if this variant is too frequent to cause the disease. Based on the score and internal cut-off values, a variant classified as benign is not then subjected to further curation. The score for this variant resulted in a classification of benign for this disease.